The following is an entry in ClinVar:

NM_024312.5(GNPTAB):c.1644_1647delinsCA (p.Leu549fs)

Gene: GNPTAB (N-acetylglucosamine-1-phosphate transferase subunits alpha and beta; minus strand). Cytogenetic location: 12q23.2.
Variant type: Indel.
Coding change: c.1644_1647delinsCA on transcript NM_024312.5 (MANE Select); coding-DNA positions 1644 to 1647, TCTC replaced by CA.
Protein change: p.Leu549fs; shifts the reading frame from leucine 549.
Molecular consequence: frameshift variant.
Genome position (GRCh38, 1-based): chr12:101,765,270-101,765,273, GAGA replaced by TG on the plus strand (TCTC replaced by CA on the coding strand, the reverse complement: GNPTAB is on the minus strand). VCF-style: chr12-101765270-GAGA-TG. GRCh37 (hg19) VCF-style: chr12-102159048-GAGA-TG.
Other names: short protein forms L549fs.
Identifiers: ClinVar variation 5016297 (VCV005016297.1).

ClinVar aggregate classification (germline): Pathogenic (1 of 4 stars; one submission).

Conditions:
GNPTAB-mucolipidosis. Also called: UDP-N-acetylglucosamine-1-phosphotransferase subunit alpha/beta deficiency. Identifiers: MedGen CN322573, MONDO:0100122.

Submission:

Myriad Genetics, Inc.
Classification: Pathogenic for GNPTAB-mucolipidosis. Last evaluated: 2026-08-29. Review status: criteria provided, single submitter. Criteria: Myriad Autosomal Dominant, Autosomal Recessive and X-Linked Classification Criteria (2023). Collection method: clinical testing. Allele origin: unknown.
Comment: NM_024312.4(GNPTAB):c.1644_1647delTCTCinsCA(L549Tfs*12) is expected to be pathogenic in the context of GNPTAB-related disorders. This variant is predicted to lead to an abnormal or absent protein product due to the creation of a premature termination codon in GNPTAB, a gene where loss-of-function variants are known to be pathogenic. Please note: this variant was assessed in the context of healthy population screening.